The following is an entry in ClinVar:

ClinVar aggregate classification (germline): Conflicting classifications of pathogenicity. Review status: criteria provided, conflicting classifications (1 of 4 stars). 4 submissions from 4 submitters: Uncertain significance (3); Likely benign (1). Last evaluated 2026-01-15.

Conditions:
Familial hypocalciuric hypercalcemia (FHH). Also called: Familial benign hypercalcemia. Identifiers: Orphanet 405, MedGen C1809471, MONDO:0018458.
Autosomal dominant hypocalcemia 1 (HYPOC1). Also called: HYPOCALCEMIA, FAMILIAL. Identifiers: MedGen C3715128, MONDO:0011013, OMIM 601198.
Nephrolithiasis/nephrocalcinosis. Identifiers: MedGen CN580796.

Allele frequency attached by ClinVar (database versions not stated): TOPMed 0.00002.
gnomAD v4.1: 6 of 1,614,112 alleles (0.00037%); highest among the groups gnomAD compares: African/African-American, 0.0013%; no homozygotes.

Submissions (4):

Labcorp Genetics (formerly Invitae), Labcorp
Classification: Likely benign for Familial hypocalciuric hypercalcemia; Autosomal dominant hypocalcemia 1. Last evaluated: 2026-01-15. Review status: criteria provided, single submitter. Criteria: Invitae Variant Classification Sherloc (09022015). Collection method: clinical testing. Allele origin: germline.

Ambry Genetics
Classification: Uncertain significance for Nephrolithiasis/nephrocalcinosis. Last evaluated: 2023-04-27. Review status: criteria provided, single submitter. Criteria: Ambry Variant Classification Scheme 2023. Collection method: clinical testing. Allele origin: germline.
Comment: The p.L1014F variant (also known as c.3040C>T), located in coding exon 6 of the CASR gene, results from a C to T substitution at nucleotide position 3040. The leucine at codon 1014 is replaced by phenylalanine, an amino acid with highly similar properties. This amino acid position is highly conserved in available vertebrate species. In addition, the in silico prediction for this alteration is inconclusive. Since supporting evidence is limited at this time, the clinical significance of this alteration remains unclear.

Johns Hopkins Genomics, Johns Hopkins University
Classification: Uncertain significance for Autosomal dominant hypocalcemia 1. Last evaluated: 2021-04-16. Review status: criteria provided, single submitter. Criteria: ACMG Guidelines, 2015. Collection method: clinical testing. Allele origin: germline.
Comment: This CASR variant (rs202219108) is rare (<0.1%) in a large population dataset (gnomAD: 1/251412 total alleles; 0.0004%; no homozygotes) and has not been reported in the literature, to our knowledge. This variant has been reported in ClinVar (Variation #: 585622). Of three bioinformatics tools queried, two predict that the substitution would be damaging while one predicts that it would be tolerated. The leucine at this position is evolutionarily conserved across many of the species assessed. We consider the clinical significance of c.3040C>T to be uncertain at this time.

Athena Diagnostics
Classification: Uncertain significance. Last evaluated: 2018-08-17. Review status: criteria provided, single submitter. Criteria: Athena Diagnostics Criteria. Collection method: clinical testing. Allele origin: germline.

NM_000388.4(CASR):c.3040C>T (p.Leu1014Phe)

Gene: CASR (calcium sensing receptor; plus strand). Cytogenetic location: 3q21.1.
Variant type: single nucleotide variant.
Coding change: c.3040C>T on transcript NM_000388.4 (MANE Select); coding-DNA position 3040, C replaced by T.
Protein change: p.Leu1014Phe; replaces leucine 1014 with phenylalanine.
Molecular consequence: missense variant.
Genome position (GRCh38, 1-based): chr3:122,284,994, C>T. VCF-style: chr3-122284994-C-T. GRCh37 (hg19) VCF-style: chr3-122003841-C-T.
Other names: c.3070C>T, p.Leu1024Phe (NM_001178065.2); short protein forms L1014F, L1024F.
Identifiers: ClinVar variation 585622 (VCV000585622.13), dbSNP rs202219108, ClinGen allele CA82749487.